The following is an entry in ClinVar:

ClinVar aggregate classification (germline): Likely benign (0 of 4 stars; one submission).

Conditions:
PREX2-related disorder. Also called: PREX2-related condition.

Allele frequency attached by ClinVar (database versions not stated): gnomAD exomes 0.00001.
gnomAD v4.1: 8 of 1,613,850 alleles (0.0005%); highest among the groups gnomAD compares: South Asian, 0.0088%; no homozygotes.

Submission:

PreventionGenetics, part of Exact Sciences
Classification: Likely benign for PREX2-related condition. Last evaluated: 2019-04-10. Review status: no assertion criteria provided. Collection method: clinical testing. Allele origin: germline.
Comment: This variant is classified as likely benign based on ACMG/AMP sequence variant interpretation guidelines (Richards et al. 2015 PMID: 25741868, with internal and published modifications).

NM_024870.4(PREX2):c.2958G>T (p.Val986=)

Gene: PREX2 (phosphatidylinositol-3,4,5-trisphosphate dependent Rac exchange factor 2; plus strand). Cytogenetic location: 8q13.2.
Variant type: single nucleotide variant.
Coding change: c.2958G>T on transcript NM_024870.4 (MANE Select); coding-DNA position 2958, G replaced by T.
Protein change: p.Val986=; no amino-acid change (valine 986 retained).
Molecular consequence: synonymous variant.
Genome position (GRCh38, 1-based): chr8:68,109,435, G>T. VCF-style: chr8-68109435-G-T. GRCh37 (hg19) VCF-style: chr8-69021670-G-T.
Identifiers: ClinVar variation 3058803 (VCV003058803.2), dbSNP rs1396223800, ClinGen allele CA461312144.